The following is an entry in ClinVar:

ClinVar aggregate classification (germline): Uncertain significance. Review status: criteria provided, multiple submitters, no conflicts (2 of 4 stars). 2 submissions from 2 submitters: Uncertain significance (2). Last evaluated 2026-06-14.

Conditions:
Pulmonary fibrosis and/or bone marrow failure, Telomere-related, 3. Also called: PULMONARY FIBROSIS AND/OR BONE MARROW FAILURE SYNDROME, TELOMERE-RELATED, 3. Identifiers: Orphanet 2032, MedGen C4225346, MONDO:0014613, OMIM 616373.
Dyskeratosis congenita, autosomal recessive 5 (DKCB5). Identifiers: MedGen C3554656, MONDO:0014076, OMIM 615190.
Inborn genetic diseases. Identifiers: MedGen C0950123, MeSH D030342.

Submissions (2):

Ambry Genetics
Classification: Uncertain significance for Inborn genetic diseases. Last evaluated: 2026-06-14. Review status: criteria provided, single submitter. Criteria: Ambry Variant Classification Scheme 2023. Collection method: clinical testing. Allele origin: germline.
Comment: The p.D337Y variant (also known as c.1009G>T), located in coding exon 11 of the RTEL1 gene, results from a G to T substitution at nucleotide position 1009. The aspartic acid at codon 337 is replaced by tyrosine, an amino acid with highly dissimilar properties. This amino acid position is conserved. In addition, the in silico prediction for this alteration is inconclusive. Based on the available evidence, the clinical significance of this variant remains unclear.

Labcorp Genetics (formerly Invitae), Labcorp
Classification: Uncertain significance for Dyskeratosis congenita, autosomal recessive 5; Pulmonary fibrosis and/or bone marrow failure, Telomere-related, 3. Last evaluated: 2023-02-23. Review status: criteria provided, single submitter. Criteria: Invitae Variant Classification Sherloc (09022015). Collection method: clinical testing. Allele origin: germline.
Comment: In summary, the available evidence is currently insufficient to determine the role of this variant in disease. Therefore, it has been classified as a Variant of Uncertain Significance. An algorithm developed to predict the effect of missense changes on protein structure and function (PolyPhen-2) suggests that this variant is likely to be disruptive. This variant has not been reported in the literature in individuals affected with RTEL1-related conditions. This variant is not present in population databases (gnomAD no frequency). This sequence change replaces aspartic acid, which is acidic and polar, with tyrosine, which is neutral and polar, at codon 337 of the RTEL1 protein (p.Asp337Tyr).

NM_001283009.2(RTEL1):c.1009G>T (p.Asp337Tyr)

Genes: RTEL1 (regulator of telomere elongation helicase 1; plus strand), RTEL1-TNFRSF6B (RTEL1-TNFRSF6B readthrough (NMD candidate); plus strand). Cytogenetic location: 20q13.33.
Variant type: single nucleotide variant.
Coding change: c.1009G>T on transcript NM_001283009.2 (MANE Select); coding-DNA position 1009, G replaced by T.
Protein change: p.Asp337Tyr; replaces aspartic acid 337 with tyrosine.
Molecular consequence: missense variant. On other transcripts: non-coding transcript variant (1).
Genome position (GRCh38, 1-based): chr20:63,678,318, G>T. VCF-style: chr20-63678318-G-T. GRCh37 (hg19) VCF-style: chr20-62309671-G-T.
Other names: c.340G>T, p.Asp114Tyr (NM_001283010.1); c.1009G>T, p.Asp337Tyr (NM_016434.4); c.1081G>T, p.Asp361Tyr (NM_032957.5); short protein forms D114Y, D361Y, D337Y.
Identifiers: ClinVar variation 2931028 (VCV002931028.4), dbSNP rs2517059521, ClinGen allele CA409673573.